The following is an entry in ClinVar:

NM_001376.5(DYNC1H1):c.13177C>A (p.Gln4393Lys)

Gene: DYNC1H1 (dynein cytoplasmic 1 heavy chain 1; plus strand). Cytogenetic location: 14q32.31.
Variant type: single nucleotide variant.
Coding change: c.13177C>A on transcript NM_001376.5 (MANE Select); coding-DNA position 13177, C replaced by A.
Protein change: p.Gln4393Lys; replaces glutamine 4393 with lysine.
Molecular consequence: missense variant.
Genome position (GRCh38, 1-based): chr14:102,047,987, C>A. VCF-style: chr14-102047987-C-A. GRCh37 (hg19) VCF-style: chr14-102514324-C-A.
Other names: short protein forms Q4393K.
Identifiers: ClinVar variation 3906087 (VCV003906087.10).
Genomic context (GRCh38, chr14:102,047,987, plus strand): 5'-CGCCCTGCCTGGATGCGGACACTGCACACCACCGCGTCCAACTGGCTGCACCTCATCCCC[C>A]AGACGCTGAGCCACCTCAAGCGCACCGTGGAGAATATCAAGGTAGCTGGGAGGGTGGCGG-3'
Protein context (NP_001367.2, residues 4383-4403): TASNWLHLIP[Gln4393Lys]TLSHLKRTVE

ClinVar aggregate classification (germline): Uncertain significance (1 of 4 stars; one submission).

Submission:

CeGaT Center for Human Genetics Tuebingen
Classification: Uncertain significance. Last evaluated: 2025-06-01. Review status: criteria provided, single submitter. Criteria: CeGaT Center For Human Genetics Tuebingen Variant Classification Criteria Version 2. Collection method: clinical testing. Allele origin: germline. Affected: yes. Observed: 1 variant allele.
Comment: DYNC1H1: PM2, BP4